The following is an entry in ClinVar:

NM_000548.5(TSC2):c.1444-13dup

Gene: TSC2 (TSC complex subunit 2; plus strand). Cytogenetic location: 16p13.3.
Variant type: Duplication.
Coding change: c.1444-13dup on transcript NM_000548.5 (MANE Select); 13 bases into the intron before coding-DNA position 1444, one base duplicated (T; older notation c.1444-13dupT).
Molecular consequence: intron variant.
Genome position (GRCh38, 1-based): chr16:2,064,259, T duplicated; the last of 2 consecutive T bases (chr16:2,064,258-2,064,259); duplicating either gives the same sequence. VCF-style (leftmost placement, unchanged base first): chr16-2064257-C-CT. GRCh37 (hg19) VCF-style: chr16-2114258-C-CT.
Other names: c.100-13dup (NM_001406693.1, NM_001406689.1, NM_001406690.1 and 6 more transcripts); c.1534-13dup (NM_001406667.1, NM_001406668.1); c.844-13dup (NM_001406680.1, NM_001406683.1, NM_001406687.1 and 6 more transcripts); c.-159-13dup (NM_001406698.1); c.1444-13dup (NM_001114382.3, NM_001406663.1, NM_001406664.1 and 6 more transcripts); c.1432-13dup (NM_001406671.1, NM_001406673.1); c.982-13dup (NM_001406681.1); c.1333-13dup (NM_001406670.1, NM_001318827.2, NM_001406678.1); and 3 more.
Identifiers: ClinVar variation 4071306 (VCV004071306.1).

ClinVar aggregate classification (germline): Likely benign (1 of 4 stars; one submission).

Conditions:
Tuberous sclerosis 2 (TSC2). Identifiers: Orphanet 805, MedGen C1860707, MONDO:0013199, OMIM 613254.

Submission:

Myriad Genetics, Inc.
Classification: Likely benign for Tuberous sclerosis 2. Last evaluated: 2025-05-14. Review status: criteria provided, single submitter. Criteria: Myriad Autosomal Dominant, Autosomal Recessive and X-Linked Classification Criteria (2023). Collection method: clinical testing. Allele origin: unknown.
Comment: This variant is considered likely benign. This variant is intronic and is not expected to impact mRNA splicing.